The following is an entry in ClinVar:

ClinVar aggregate classification (germline): Pathogenic. Review status: criteria provided, multiple submitters, no conflicts (2 of 4 stars). 2 submissions from 2 submitters: Pathogenic (2). Last evaluated 2025-02-21.

Conditions:
Congenital hyperammonemia, type I. Also called: Carbamoyl phosphate synthetase 1 deficiency; Hyperammonemia due to carbamoyl phosphate synthetase 1 deficiency; CPS 1 deficiency; Carbamyl phosphate synthetase (CPS) deficiency; CPS I DEFICIENCY; Carbamoyl phosphate synthetase I deficiency disease. Identifiers: Orphanet 147, MedGen C4082171, MONDO:0009376, OMIM 237300.

Submissions (2):

Laboratoire Génétique Moléculaire, CHRU TOURS
Classification: Pathogenic for Congenital hyperammonemia, type I. Last evaluated: 2025-02-21. Review status: criteria provided, single submitter. Criteria: ACMG Guidelines, 2015. Collection method: clinical testing. Allele origin: paternal. Affected: yes.
Comment: PVS1;PM2;PM3;PP3;PP4;PP5

Labcorp Genetics (formerly Invitae), Labcorp
Classification: Pathogenic for Congenital hyperammonemia, type I. Last evaluated: 2023-11-06. Review status: criteria provided, single submitter. Criteria: Invitae Variant Classification Sherloc (09022015). Collection method: clinical testing. Allele origin: germline.
Comment: This sequence change creates a premature translational stop signal (p.Trp940*) in the CPS1 gene. It is expected to result in an absent or disrupted protein product. Loss-of-function variants in CPS1 are known to be pathogenic (PMID: 21120950). This variant is not present in population databases (gnomAD no frequency). This variant has not been reported in the literature in individuals affected with CPS1-related conditions. For these reasons, this variant has been classified as Pathogenic.

Literature cited by the submitters: PubMed 21120950 (cited by Labcorp Genetics (formerly Invitae), Labcorp).

NM_001875.5(CPS1):c.2820G>A (p.Trp940Ter)

Gene: CPS1 (carbamoyl-phosphate synthase 1; plus strand). Cytogenetic location: 2q34.
Variant type: single nucleotide variant.
Coding change: c.2820G>A on transcript NM_001875.5 (MANE Select); coding-DNA position 2820, G replaced by A.
Protein change: p.Trp940Ter; replaces tryptophan 940 with a stop codon.
Molecular consequence: nonsense. On other transcripts: non-coding transcript variant (2).
Genome position (GRCh38, 1-based): chr2:210,637,834, G>A. VCF-style: chr2-210637834-G-A. GRCh37 (hg19) VCF-style: chr2-211502558-G-A.
Other names: c.2820G>A, p.Trp940Ter (NM_001122633.3, NM_001369257.1); c.2853G>A, p.Trp951Ter (NM_001369256.1); short protein forms W940*, W951*.
Identifiers: ClinVar variation 2866647 (VCV002866647.4), dbSNP rs1700085731, ClinGen allele CA350431166.